The following is an entry in ClinVar:

NM_000038.6(APC):c.3306_3307del (p.Tyr1102_Arg1103delinsTer)

Gene: APC (APC regulator of Wnt signaling pathway; plus strand). Cytogenetic location: 5q22.2.
Variant type: Deletion.
Coding change: c.3306_3307del on transcript NM_000038.6 (MANE Select); coding-DNA positions 3306 to 3307, 2 bases deleted (CA; older notation c.3306_3307delCA).
Protein change: p.Tyr1102_Arg1103delinsTer.
Molecular consequence: nonsense. On other transcripts: non-coding transcript variant (2).
Genome position (GRCh38, 1-based): chr5:112,838,900-112,838,901, CA deleted; deleting any 2 consecutive bases within chr5:112,838,899-112,838,901 gives the same sequence; the c. name uses the placement nearest the transcript's 3' end. VCF-style (leftmost placement, unchanged base first): chr5-112838898-TAC-T. GRCh37 (hg19) VCF-style: chr5-112174595-TAC-T.
Other names: c.3306_3307del, p.Tyr1102_Arg1103delinsTer (NM_001127510.3, NM_001354895.2, NM_001407450.1); c.3252_3253del, p.Tyr1084_Arg1085delinsTer (NM_001127511.3); c.3360_3361del, p.Tyr1120_Arg1121delinsTer (NM_001354896.2, NM_001407447.1, NM_001407448.1 and 1 more transcripts); c.3336_3337del, p.Tyr1112_Arg1113delinsTer (NM_001354897.2); c.3231_3232del, p.Tyr1077_Arg1078delinsTer (NM_001354898.2); c.3222_3223del, p.Tyr1074_Arg1075delinsTer (NM_001354899.2); c.3183_3184del, p.Tyr1061_Arg1062delinsTer (NM_001354900.2); c.3129_3130del, p.Tyr1043_Arg1044delinsTer (NM_001354901.2, NM_001407453.1); and 11 more.
Identifiers: ClinVar variation 2583977 (VCV002583977.2), dbSNP rs2533488312, ClinGen allele CA2582341506.

ClinVar aggregate classification (germline): Pathogenic (1 of 4 stars; one submission).

Conditions:
Familial adenomatous polyposis 1 (FAP1). Also called: FAMILIAL ADENOMATOUS POLYPOSIS 1, ATTENUATED; POLYPOSIS, ADENOMATOUS INTESTINAL. Identifiers: MedGen C2713442, MONDO:0021056, OMIM 175100. Disease mechanism: loss of function.

Submission:

Myriad Genetics, Inc.
Classification: Pathogenic for Familial adenomatous polyposis 1. Last evaluated: 2023-05-08. Review status: criteria provided, single submitter. Criteria: Myriad Autosomal Dominant, Autosomal Recessive and X-Linked Classification Criteria (2023). Collection method: clinical testing. Allele origin: unknown.
Comment: This variant is considered pathogenic. This variant creates a termination codon and is predicted to result in premature protein truncation.